The following is an entry in ClinVar:

NM_001349253.2(SCN11A):c.833G>T (p.Ser278Ile)

Gene: SCN11A (sodium voltage-gated channel alpha subunit 11; minus strand). Cytogenetic location: 3p22.2.
Variant type: single nucleotide variant.
Coding change: c.833G>T on transcript NM_001349253.2 (MANE Select); coding-DNA position 833, G replaced by T.
Protein change: p.Ser278Ile; replaces serine 278 with isoleucine.
Molecular consequence: missense variant.
Genome position (GRCh38, 1-based): chr3:38,921,135, C>A on the plus strand (G>T on the coding strand, the complement: SCN11A is on the minus strand). VCF-style: chr3-38921135-C-A. GRCh37 (hg19) VCF-style: chr3-38962626-C-A.
Other names: c.833G>T, p.Ser278Ile (NM_014139.3); short protein forms S278I.
Identifiers: ClinVar variation 998482 (VCV000998482.5), dbSNP rs142475124, ClinGen allele CA2322493.

ClinVar aggregate classification (germline): Uncertain significance (1 of 4 stars; one submission).

Conditions:
Hereditary sensory and autonomic neuropathy type 7. Also called: Neuropathy, hereditary sensory and autonomic, type VII; HSAN VII. Identifiers: Orphanet 391397, MedGen C3809882, MONDO:0014244, OMIM 615548.
Familial episodic pain syndrome with predominantly lower limb involvement. Also called: Episodic pain syndrome, familial, 3. Identifiers: Orphanet 391384, Orphanet 391392, MedGen C3809899, MONDO:0014247, OMIM 615552.

Allele frequency attached by ClinVar (database versions not stated): gnomAD 0.00001; TOPMed 0.00003; ESP Exome Variant Server 0.00008; gnomAD exomes below 0.00001; ExAC 0.00001.
gnomAD v4.1: 7 of 1,613,994 alleles (0.00043%); highest among the groups gnomAD compares: Non-Finnish European, 0.00059%; no homozygotes.

Submission:

Labcorp Genetics (formerly Invitae), Labcorp
Classification: Uncertain significance for Familial episodic pain syndrome with predominantly lower limb involvement; Hereditary sensory and autonomic neuropathy type 7. Last evaluated: 2020-05-07. Review status: criteria provided, single submitter. Criteria: Invitae Variant Classification Sherloc (09022015). Collection method: clinical testing. Allele origin: germline.
Comment: Algorithms developed to predict the effect of missense changes on protein structure and function output the following: SIFT: "Tolerated"; PolyPhen-2: "Benign"; Align-GVGD: "Class C0". The isoleucine amino acid residue is found in multiple mammalian species, suggesting that this missense change does not adversely affect protein function. These predictions have not been confirmed by published functional studies and their clinical significance is uncertain. This variant has not been reported in the literature in individuals with SCN11A-related conditions. This variant is present in population databases (rs142475124, ExAC 0.001%). This sequence change replaces serine with isoleucine at codon 278 of the SCN11A protein (p.Ser278Ile). The serine residue is weakly conserved and there is a large physicochemical difference between serine and isoleucine. In summary, the available evidence is currently insufficient to determine the role of this variant in disease. Therefore, it has been classified as a Variant of Uncertain Significance.